The following is an entry in ClinVar:

NC_000023.10:g.(?_32479316)_(32536268_?)del

Gene: DMD (dystrophin; minus strand). Cytogenetic location: Xp21.1.
Variant type: Deletion.
Identifiers: ClinVar variation 3245350 (VCV003245350.1).

ClinVar aggregate classification (germline): Pathogenic (1 of 4 stars; one submission).

Conditions:
Duchenne muscular dystrophy (DMD). Also called: MUSCULAR DYSTROPHY, PSEUDOHYPERTROPHIC PROGRESSIVE, DUCHENNE TYPE; Duchenne Muscular Dystrophy (DMD). Identifiers: Orphanet 98896, MedGen C0013264, MONDO:0010679, OMIM 310200.

Submission:

Labcorp Genetics (formerly Invitae), Labcorp
Classification: Pathogenic for Duchenne muscular dystrophy. Last evaluated: 2023-07-08. Review status: criteria provided, single submitter. Criteria: Invitae Variant Classification Sherloc (09022015). Collection method: clinical testing. Allele origin: unknown.
Comment: This variant is a gross deletion of the genomic region encompassing exon(s) 18-25 of the DMD gene. This deletion is out-of-frame, and is expected to create a premature termination codon and result in an absent or disrupted protein product. Loss-of-function variants in DMD are known to be pathogenic (PMID: 16770791, 25007885). A similar copy number variant has been observed in individuals with Duchenne muscular dystrophy (PMID: 14977063, 31705731). For these reasons, this variant has been classified as Pathogenic.

Literature cited by the submitters: PubMed 16770791; PubMed 25007885; PubMed 14977063; PubMed 31705731.